The following is an entry in ClinVar:

ClinVar aggregate classification (germline): Uncertain significance (1 of 4 stars; one submission).

Conditions:
Cardiovascular phenotype. Identifiers: MedGen CN230736.
Hereditary cancer-predisposing syndrome. Also called: Tumor predisposition; Hereditary neoplastic syndrome; Neoplastic Syndromes, Hereditary; Hereditary Cancer Syndrome. Identifiers: Orphanet 140162, MedGen C0027672, MeSH D009386, MONDO:0015356.

Submission:

Ambry Genetics
Classification: Uncertain significance for Cardiovascular phenotype; Hereditary cancer-predisposing syndrome. Last evaluated: 2025-04-10. Review status: criteria provided, single submitter. Criteria: Ambry Variant Classification Scheme 2023. Collection method: clinical testing. Allele origin: germline.
Comment: The p.D378V variant (also known as c.1133A>T), located in coding exon 10 of the NF1 gene, results from an A to T substitution at nucleotide position 1133. The aspartic acid at codon 378 is replaced by valine, an amino acid with highly dissimilar properties. This amino acid position is conserved. In addition, this alteration is predicted to be deleterious by in silico analysis. Based on the available evidence, the clinical significance of this variant remains unclear.

NM_001042492.3(NF1):c.1133A>T (p.Asp378Val)

Gene: NF1 (neurofibromin 1; plus strand). Cytogenetic location: 17q11.2.
Variant type: single nucleotide variant.
Coding change: c.1133A>T on transcript NM_001042492.3 (MANE Select); coding-DNA position 1133, A replaced by T.
Protein change: p.Asp378Val; replaces aspartic acid 378 with valine.
Molecular consequence: missense variant.
Genome position (GRCh38, 1-based): chr17:31,201,107, A>T. VCF-style: chr17-31201107-A-T. GRCh37 (hg19) VCF-style: chr17-29528125-A-T.
Other names: c.1133A>T, p.Asp378Val (NM_000267.4, NM_001128147.3); short protein forms D378V.
Identifiers: ClinVar variation 4020547 (VCV004020547.1).
Genomic context (GRCh38, chr17:31,201,107, plus strand): 5'-TTAATCCAAGTAAGCCATTCTCAAGAGGCAGTCAGCCTGCAGATGTGGATCTAATGATTG[A>T]CTGCCTTGTTTCTTGCTTTCGTATAAGCCCTCACAACAACCAACACTTTAAGGTGAGAGC-3'
Protein context (NP_001035957.1, residues 368-388): SQPADVDLMI[Asp378Val]CLVSCFRISP